The following is an entry in ClinVar:

NM_005450.6(NOG):c.420G>T (p.Lys140Asn)

Gene: NOG (noggin; plus strand). Cytogenetic location: 17q22.
Variant type: single nucleotide variant.
Coding change: c.420G>T on transcript NM_005450.6 (MANE Select); coding-DNA position 420, G replaced by T.
Protein change: p.Lys140Asn; replaces lysine 140 with asparagine.
Molecular consequence: missense variant.
Genome position (GRCh38, 1-based): chr17:56,594,643, G>T. VCF-style: chr17-56594643-G-T. GRCh37 (hg19) VCF-style: chr17-54672004-G-T.
Other names: short protein forms K140N.
Identifiers: ClinVar variation 3669872 (VCV003669872.2).

ClinVar aggregate classification (germline): Uncertain significance (1 of 4 stars; one submission).

Submission:

Labcorp Genetics (formerly Invitae), Labcorp
Classification: Uncertain significance. Last evaluated: 2024-11-18. Review status: criteria provided, single submitter. Criteria: Invitae Variant Classification Sherloc (09022015). Collection method: clinical testing. Allele origin: germline.
Comment: This sequence change replaces lysine, which is basic and polar, with asparagine, which is neutral and polar, at codon 140 of the NOG protein (p.Lys140Asn). This variant is not present in population databases (gnomAD no frequency). This variant has not been reported in the literature in individuals affected with NOG-related conditions. An algorithm developed to predict the effect of missense changes on protein structure and function (PolyPhen-2) suggests that this variant is likely to be disruptive. In summary, the available evidence is currently insufficient to determine the role of this variant in disease. Therefore, it has been classified as a Variant of Uncertain Significance.